The following is an entry in ClinVar:

ClinVar aggregate classification (germline): Uncertain significance. Review status: criteria provided, multiple submitters, no conflicts (2 of 4 stars). 2 submissions from 2 submitters: Uncertain significance (2). Last evaluated 2026-07-07.

Conditions:
Hereditary cancer-predisposing syndrome. Also called: Hereditary neoplastic syndrome; Neoplastic Syndromes, Hereditary; Tumor predisposition; Hereditary Cancer Syndrome. Identifiers: Orphanet 140162, MedGen C0027672, MeSH D009386, MONDO:0015356.
Oligodontia-cancer predisposition syndrome. Also called: TOOTH AGENESIS-COLORECTAL CANCER SYNDROME. Identifiers: Orphanet 300576, MedGen C1837750, MONDO:0012075, OMIM 608615. Disease mechanism: loss of function.

Submissions (2):

Ambry Genetics
Classification: Uncertain significance for Hereditary cancer-predisposing syndrome. Last evaluated: 2026-07-07. Review status: criteria provided, single submitter. Criteria: Ambry Variant Classification Scheme 2023. Collection method: clinical testing. Allele origin: germline.
Comment: The p.A208P variant (also known as c.622G>C), located in coding exon 1 of the AXIN2 gene, results from a G to C substitution at nucleotide position 622. The alanine at codon 208 is replaced by proline, an amino acid with highly similar properties. This amino acid position is conserved. In addition, the in silico prediction for this alteration is inconclusive. Based on the available evidence, the clinical significance of this variant remains unclear.

Labcorp Genetics (formerly Invitae), Labcorp
Classification: Uncertain significance for Oligodontia-cancer predisposition syndrome. Last evaluated: 2024-06-17. Review status: criteria provided, single submitter. Criteria: Invitae Variant Classification Sherloc (09022015). Collection method: clinical testing. Allele origin: germline.
Comment: This sequence change replaces alanine, which is neutral and non-polar, with proline, which is neutral and non-polar, at codon 208 of the AXIN2 protein (p.Ala208Pro). This variant is not present in population databases (gnomAD no frequency). This variant has not been reported in the literature in individuals affected with AXIN2-related conditions. ClinVar contains an entry for this variant (Variation ID: 2016766). Advanced modeling of protein sequence and biophysical properties (such as structural, functional, and spatial information, amino acid conservation, physicochemical variation, residue mobility, and thermodynamic stability) performed at Invitae indicates that this missense variant is not expected to disrupt AXIN2 protein function with a negative predictive value of 80%. In summary, the available evidence is currently insufficient to determine the role of this variant in disease. Therefore, it has been classified as a Variant of Uncertain Significance.

NM_004655.4(AXIN2):c.622G>C (p.Ala208Pro)

Gene: AXIN2 (axin 2; minus strand). Cytogenetic location: 17q24.1.
Variant type: single nucleotide variant.
Coding change: c.622G>C on transcript NM_004655.4 (MANE Select); coding-DNA position 622, G replaced by C.
Protein change: p.Ala208Pro; replaces alanine 208 with proline.
Molecular consequence: missense variant.
Genome position (GRCh38, 1-based): chr17:65,557,999, C>G on the plus strand (G>C on the coding strand, the complement: AXIN2 is on the minus strand). VCF-style: chr17-65557999-C-G. GRCh37 (hg19) VCF-style: chr17-63554117-C-G.
Other names: c.622G>C, p.Ala208Pro (NM_001363813.1); short protein forms A208P.
Identifiers: ClinVar variation 2016766 (VCV002016766.5), dbSNP rs2144583900, ClinGen allele CA400680641.